The following is an entry in ClinVar:

NM_001846.4(COL4A2):c.1525G>A (p.Gly509Arg)

Genes: COL4A2 (collagen type IV alpha 2 chain; plus strand), COL4A2-AS2 (COL4A2 antisense RNA 2; minus strand). Cytogenetic location: 13q34.
Variant type: single nucleotide variant.
Coding change: c.1525G>A on transcript NM_001846.4 (MANE Select); coding-DNA position 1525, G replaced by A.
Protein change: p.Gly509Arg; replaces glycine 509 with arginine.
Molecular consequence: missense variant.
Genome position (GRCh38, 1-based): chr13:110,458,863, G>A. VCF-style: chr13-110458863-G-A. GRCh37 (hg19) VCF-style: chr13-111111210-G-A.
Other names: short protein forms G509R.
Identifiers: ClinVar variation 2984545 (VCV002984545.3), dbSNP rs1490227936, ClinGen allele CA388736649.
Genomic context (GRCh38, chr13:110,458,863, plus strand): 5'-GACGAAGCTATCAAAGGTCTTCCGGGACTGCCAGGACCCAAGGGCTTCGCAGGCATCAAC[G>A]GGGAGCCGGGGAGGAAAGGGGACAGAGGAGACCCCGGCCAACACGGCCTCCCTGGGTTCC-3'
Protein context (NP_001837.2, residues 499-519): PGPKGFAGIN[Gly509Arg]EPGRKGDRGD

ClinVar aggregate classification (germline): Uncertain significance (1 of 4 stars; one submission).

Allele frequency attached by ClinVar (database versions not stated): gnomAD 0.00001; gnomAD exomes 0.00001.

Submission:

Labcorp Genetics (formerly Invitae), Labcorp
Classification: Uncertain significance. Last evaluated: 2022-11-24. Review status: criteria provided, single submitter. Criteria: Invitae Variant Classification Sherloc (09022015). Collection method: clinical testing. Allele origin: germline.
Comment: In summary, the available evidence is currently insufficient to determine the role of this variant in disease. Therefore, it has been classified as a Variant of Uncertain Significance. Advanced modeling of protein sequence and biophysical properties (such as structural, functional, and spatial information, amino acid conservation, physicochemical variation, residue mobility, and thermodynamic stability) has been performed at Invitae for this missense variant, however the output from this modeling did not meet the statistical confidence thresholds required to predict the impact of this variant on COL4A2 protein function. This variant has not been reported in the literature in individuals affected with COL4A2-related conditions. This variant is not present in population databases (gnomAD no frequency). This sequence change replaces glycine, which is neutral and non-polar, with arginine, which is basic and polar, at codon 509 of the COL4A2 protein (p.Gly509Arg).